The following is an entry in ClinVar:

NM_000069.3(CACNA1S):c.2836G>A (p.Gly946Ser)

Gene: CACNA1S (calcium voltage-gated channel subunit alpha1 S; minus strand). Cytogenetic location: 1q32.1.
Variant type: single nucleotide variant.
Coding change: c.2836G>A on transcript NM_000069.3 (MANE Select); coding-DNA position 2836, G replaced by A.
Protein change: p.Gly946Ser; replaces glycine 946 with serine.
Molecular consequence: missense variant.
Genome position (GRCh38, 1-based): chr1:201,065,855, C>T on the plus strand (G>A on the coding strand, the complement: CACNA1S is on the minus strand). VCF-style: chr1-201065855-C-T. GRCh37 (hg19) VCF-style: chr1-201034983-C-T.
Other names: short protein forms G946S.
Identifiers: ClinVar variation 873818 (VCV000873818.35), dbSNP rs569324688, ClinGen allele CA079311.

ClinVar aggregate classification (germline): Uncertain significance. Review status: criteria provided, multiple submitters, no conflicts (2 of 4 stars). 10 submissions from 7 submitters: Uncertain significance (10). Last evaluated 2024-08-06.

Conditions:
Congenital myopathy 18. Also called: Myopathy, congenital, due to dihydropyridine receptor defect; DIHYDROPYRIDINE RECEPTOR CONGENITAL MYOPATHY; DHPR CONGENITAL MYOPATHY. Identifiers: MedGen C5830283, MONDO:0859514, OMIM 620246.
Thyrotoxic periodic paralysis, susceptibility to, 1 (TTPP1). Identifiers: Orphanet 79102, MedGen C2749982, MONDO:0008570, OMIM 188580.
Hypokalemic periodic paralysis, type 1. Also called: Hypokalemic Periodic Paralysis Type 1 (AD); HypoPP. Identifiers: Orphanet 681, MedGen C3714580, MONDO:0042979, OMIM 170400.
Malignant hyperthermia, susceptibility to, 5 (MHS5). Also called: CACNA1S-Related Malignant Hyperthermia Susceptibility. Identifiers: Orphanet 423, MedGen C1866077, MONDO:0011163, OMIM 601887.

Allele frequency attached by ClinVar (database versions not stated): gnomAD 0.00001; ExAC 0.00002; gnomAD exomes 0.00002; TOPMed 0.00002; 1000 Genomes Project 30x 0.00016; 1000 Genomes Project 0.00020.
gnomAD v4.1: 27 of 1,613,878 alleles (0.0017%); highest among the groups gnomAD compares: East Asian, 0.0067%; no homozygotes.

Submissions (10):

All of Us Research Program, National Institutes of Health
Classification: Uncertain significance for Malignant hyperthermia, susceptibility to, 5. Last evaluated: 2024-08-06. Review status: criteria provided, single submitter. Criteria: ACMG Guidelines, 2015. Collection method: clinical testing. Allele origin: germline. Inheritance: Autosomal dominant inheritance. Observed: 13 variant alleles, 13 heterozygotes.
Comment: This missense variant replaces glycine with serine at codon 946 of the CACNA1S protein. Computational prediction suggests that this variant may have deleterious impact on protein structure and function (internally defined REVEL score threshold >= 0.7, PMID: 27666373). To our knowledge, functional studies have not been reported for this variant. This variant has not been reported in individuals affected with CACNA1S-related disorders in the literature. This variant has been identified in 4/251240 chromosomes in the general population by the Genome Aggregation Database (gnomAD). The available evidence is insufficient to determine the role of this variant in disease conclusively. Therefore, this variant is classified as a Variant of Uncertain Significance.

This study involves interpretation of variants in research participants for the purpose of population health screening. Participant phenotype was not available at the time of variant classification. Additional details can be found in publication PMID: 35346344, PMCID: PMC8962531

CeGaT Center for Human Genetics Tuebingen
Classification: Uncertain significance. Last evaluated: 2024-01-01. Review status: criteria provided, single submitter. Criteria: CeGaT Center For Human Genetics Tuebingen Variant Classification Criteria Version 2. Collection method: clinical testing. Allele origin: germline. Affected: yes. Observed: 1 variant allele.
Comment: CACNA1S: PM2:Supporting, PP2, PP3

Color Diagnostics, LLC DBA Color Health
Classification: Uncertain significance for Malignant hyperthermia, susceptibility to, 5. Last evaluated: 2023-11-29. Review status: criteria provided, single submitter. Criteria: ACMG Guidelines, 2015. Collection method: clinical testing. Allele origin: germline.
Comment: This missense variant replaces glycine with serine at codon 946 of the CACNA1S protein. Computational prediction suggests that this variant may have deleterious impact on protein structure and function. To our knowledge, functional studies have not been reported for this variant. This variant has not been reported in individuals affected with CACNA1S-related disorders in the literature. This variant has been identified in 4/251240 chromosomes in the general population by the Genome Aggregation Database (gnomAD). The available evidence is insufficient to determine the role of this variant in disease conclusively. Therefore, this variant is classified as a Variant of Uncertain Significance.

GeneDx
Classification: Uncertain significance. Last evaluated: 2023-11-22. Review status: criteria provided, single submitter. Criteria: GeneDx Variant Classification Process June 2021. Collection method: clinical testing. Allele origin: germline. Affected: yes.
Comment: In silico analysis supports that this missense variant has a deleterious effect on protein structure/function; Has not been previously published as pathogenic or benign to our knowledge

Labcorp Genetics (formerly Invitae), Labcorp
Classification: Uncertain significance for Hypokalemic periodic paralysis, type 1; Malignant hyperthermia, susceptibility to, 5. Last evaluated: 2023-07-10. Review status: criteria provided, single submitter. Criteria: Invitae Variant Classification Sherloc (09022015). Collection method: clinical testing. Allele origin: germline.
Comment: This sequence change replaces glycine, which is neutral and non-polar, with serine, which is neutral and polar, at codon 946 of the CACNA1S protein (p.Gly946Ser). This variant is present in population databases (rs569324688, gnomAD 0.01%). This variant has not been reported in the literature in individuals affected with CACNA1S-related conditions. ClinVar contains an entry for this variant (Variation ID: 873818). Advanced modeling of protein sequence and biophysical properties (such as structural, functional, and spatial information, amino acid conservation, physicochemical variation, residue mobility, and thermodynamic stability) performed at Invitae indicates that this missense variant is not expected to disrupt CACNA1S protein function. In summary, the available evidence is currently insufficient to determine the role of this variant in disease. Therefore, it has been classified as a Variant of Uncertain Significance.

Genome-Nilou Lab
Classification: Uncertain significance for Malignant hyperthermia, susceptibility to, 5. Last evaluated: 2023-04-11. Review status: criteria provided, single submitter. Criteria: ACMG Guidelines, 2015. Collection method: clinical testing. Allele origin: germline. Affected: no.

Genome-Nilou Lab
Classification: Uncertain significance for Thyrotoxic periodic paralysis, susceptibility to, 1. Last evaluated: 2023-04-11. Review status: criteria provided, single submitter. Criteria: ACMG Guidelines, 2015. Collection method: clinical testing. Allele origin: germline. Affected: no.

Genome-Nilou Lab
Classification: Uncertain significance for Congenital myopathy 18. Last evaluated: 2023-04-11. Review status: criteria provided, single submitter. Criteria: ACMG Guidelines, 2015. Collection method: clinical testing. Allele origin: germline. Affected: no.

Genome-Nilou Lab
Classification: Uncertain significance for Hypokalemic periodic paralysis, type 1. Last evaluated: 2023-04-11. Review status: criteria provided, single submitter. Criteria: ACMG Guidelines, 2015. Collection method: clinical testing. Allele origin: germline. Affected: no.

Illumina Laboratory Services, Illumina
Classification: Uncertain significance for Hypokalemic periodic paralysis, type 1. Last evaluated: 2018-04-06. Review status: criteria provided, single submitter. Criteria: ICSL Variant Classification Criteria 13 December 2019. Collection method: clinical testing. Allele origin: germline.